The following is an entry in ClinVar:

ClinVar aggregate classification (germline): Pathogenic (1 of 4 stars; one submission).

Conditions:
Fabry disease. Also called: ALPHA-GALACTOSIDASE A DEFICIENCY; ANDERSON-FABRY DISEASE; CERAMIDE TRIHEXOSIDASE DEFICIENCY; GLA DEFICIENCY; HEREDITARY DYSTOPIC LIPIDOSIS; Angiokeratoma corporis diffusum. Identifiers: Orphanet 324, MedGen C0002986, MONDO:0010526, OMIM 301500, HP:0001071. Disease mechanism: Fabry disease is due to inactivating mutations in the X-linked GLA gene resulting in deficiency of the enzyme Alpha Galactosidase-A., loss of function.

Submission:

Genomenon, Inc
Classification: Pathogenic for Fabry disease. Last evaluated: 2026-09-08. Review status: criteria provided, single submitter. Criteria: Genomenon Sequence Variant Interpretation Standards - Updated. Collection method: curation. Allele origin: germline. Affected: yes.
Comment: GLA p.Asp93Glu (c.279C>G) is a missense variant that changes the amino acid at codon 93 from Aspartic acid to Glutamic acid. This variant has been observed in at least one proband with clinical features consistent with Fabry disease (PMID:19832823). At least one functional study has demonstrated a substantial alteration in protein function relative to the wild-type (PMID:32023956;23935525;27657681). This variant is located in a mutational hotspot and/or important functional domain. It is absent or not present at a significant frequency in gnomAD. In silico models predict that this variant is possibly or probably damaging. In conclusion, we classify GLA p.Asp93Glu (c.279C>G) as a pathogenic variant.

Literature cited by the submitters: PubMed 19832823; PubMed 32023956; PubMed 23935525; PubMed 27657681.

NM_000169.3(GLA):c.279C>G (p.Asp93Glu)

Genes: GLA (galactosidase alpha; minus strand), RPL36A-HNRNPH2 (RPL36A-HNRNPH2 readthrough; plus strand). Cytogenetic location: Xq22.1.
Variant type: single nucleotide variant.
Coding change: c.279C>G on transcript NM_000169.3 (MANE Select); coding-DNA position 279, C replaced by G.
Protein change: p.Asp93Glu; replaces aspartic acid 93 with glutamic acid.
Molecular consequence: missense variant. On other transcripts: non-coding transcript variant (3), intron variant (2).
Genome position (GRCh38, 1-based): chrX:101,403,901, G>C on the plus strand (C>G on the coding strand, the complement: GLA is on the minus strand). VCF-style: chrX-101403901-G-C. GRCh37 (hg19) VCF-style: chrX-100658889-G-C.
Other names: c.402C>G, p.Asp134Glu (NM_001406747.1, NM_001406749.1); c.279C>G, p.Asp93Glu (NM_001406748.1); c.301-8035G>C (NM_001199973.2); c.178-8035G>C (NM_001199974.2); short protein forms D134E, D93E.
Identifiers: ClinVar variation 4087324 (VCV004087324.2).
Genomic context (GRCh38, chrX:101,403,901, plus strand): 5'-AAAGCGCTGAGGGTCTGCCTGAAGTCTGCCTTCTGAATCTCTTTGGGGAGCCATCCAACA[G>C]TCATCAATGCAGAGGTACTCATAACCTGCATCCTTCCAGCCTTCTGAGACCATGAGCTCT-3'
Protein context (NP_000160.1, residues 83-103): DAGYEYLCID[Asp93Glu]CWMAPQRDSE